The following is an entry in ClinVar:

NM_005981.5(TSPAN31):c.*798G>C

Genes: CDK4 (cyclin dependent kinase 4; minus strand), TSPAN31 (tetraspanin 31; plus strand). Cytogenetic location: 12q14.1.
Variant type: single nucleotide variant.
Coding change: c.*798G>C on transcript NM_005981.5 (MANE Select); 798 bases downstream of the stop codon, G replaced by C.
Molecular consequence: 3 prime UTR variant.
Genome position (GRCh38, 1-based): chr12:57,748,088, G>C. VCF-style: chr12-57748088-G-C. GRCh37 (hg19) VCF-style: chr12-58141871-G-C.
Other names: NC_000012.11:g.58141871G>C; c.*437C>G (NM_000075.4); c.*798G>C (NM_001330168.2, NM_001330169.2).
Identifiers: ClinVar variation 309971 (VCV000309971.6), dbSNP rs3472, ClinGen allele CA10643000.

ClinVar aggregate classification (germline): Benign (1 of 4 stars; one submission).

Conditions:
Melanoma, cutaneous malignant, susceptibility to, 3. Also called: Cutaneous malignant melanoma 3. Identifiers: Orphanet 618, MedGen C1836892, MONDO:0012183, OMIM 609048.

Allele frequency attached by ClinVar (database versions not stated): gnomAD 0.03422 and 0.03579; TOPMed 0.03746; 1000 Genomes Project 0.04593; 1000 Genomes Project 30x 0.04809.
gnomAD v4.1: 5,912 of 273,146 alleles (2.2%); highest among the groups gnomAD compares: African/African-American, 11%; 309 homozygotes.

Submissions (2):

Illumina Laboratory Services, Illumina
Classification: Benign for Melanoma, cutaneous malignant, susceptibility to, 3. Last evaluated: 2018-01-13. Review status: criteria provided, single submitter. Criteria: ICSL Variant Classification Criteria 13 December 2019. Collection method: clinical testing. Allele origin: germline.
Comment: This variant was observed in the ICSL laboratory as part of a predisposition screen in an ostensibly healthy population. It had not been previously curated by ICSL or reported in the Human Gene Mutation Database (HGMD: prior to June 1st, 2018), and was therefore a candidate for classification through an automated scoring system. Utilizing variant allele frequency, disease prevalence and penetrance estimates, and inheritance mode, an automated score was calculated to assess if this variant is too frequent to cause the disease. Based on the score and internal cut-off values, a variant classified as benign is not then subjected to further curation. The score for this variant resulted in a classification of benign for this disease.

Dr. Peter K. Rogan Lab, Western University
No classification provided (evidence only). Condition: Malignant tumor of esophagus. Review status: no classification provided. Collection method: in vitro. Allele origin: not applicable. Functional consequence: retained intron. Not counted in ClinVar's aggregate classification.